The following is an entry in ClinVar:

ClinVar aggregate classification (germline): Likely benign. Review status: criteria provided, multiple submitters, no conflicts (2 of 4 stars). 3 submissions from 3 submitters: Likely benign (2). 1 of the submissions does not count toward it. Last evaluated 2026-06-01.

Conditions:
KBG syndrome (KBGS). Also called: ANKRD11-Related KBG Syndrome. Identifiers: Orphanet 2332, MedGen C0220687, MONDO:0007846, OMIM 148050.
ANKRD11-related disorder. Also called: ANKRD11-related condition.

Allele frequency attached by ClinVar (database versions not stated): ExAC 0.00003; gnomAD exomes 0.00003; TOPMed 0.00003; gnomAD 0.00007.
gnomAD v4.1: 54 of 1,613,818 alleles (0.0033%); highest among the groups gnomAD compares: African/African-American, 0.0053%; no homozygotes.

Submissions (3):

CeGaT Center for Human Genetics Tuebingen
Classification: Likely benign. Last evaluated: 2026-06-01. Review status: criteria provided, single submitter. Criteria: CeGaT Center For Human Genetics Tuebingen Variant Classification Criteria Version 2. Collection method: clinical testing. Allele origin: germline. Affected: yes. Observed: 3 variant alleles.
Comment: ANKRD11: BP4, BP7

Labcorp Genetics (formerly Invitae), Labcorp
Classification: Likely benign for KBG syndrome. Last evaluated: 2023-12-30. Review status: criteria provided, single submitter. Criteria: Invitae Variant Classification Sherloc (09022015). Collection method: clinical testing. Allele origin: germline.

PreventionGenetics, part of Exact Sciences
Classification: Likely benign for ANKRD11-related condition. Last evaluated: 2024-01-05. Review status: no assertion criteria provided. Collection method: clinical testing. Allele origin: germline. Not counted in ClinVar's aggregate classification.
Comment: This variant is classified as likely benign based on ACMG/AMP sequence variant interpretation guidelines (Richards et al. 2015 PMID: 25741868, with internal and published modifications).

NM_013275.6(ANKRD11):c.1233G>A (p.Ser411=)

Gene: ANKRD11 (ankyrin repeat domain 11; minus strand). Cytogenetic location: 16q24.3.
Variant type: single nucleotide variant.
Coding change: c.1233G>A on transcript NM_013275.6 (MANE Select); coding-DNA position 1233, G replaced by A.
Protein change: p.Ser411=; no amino-acid change (serine 411 retained).
Molecular consequence: synonymous variant.
Genome position (GRCh38, 1-based): chr16:89,285,309, C>T on the plus strand (G>A on the coding strand, the complement: ANKRD11 is on the minus strand). VCF-style: chr16-89285309-C-T. GRCh37 (hg19) VCF-style: chr16-89351717-C-T.
Other names: c.1233G>A (NM_013275.5); c.1233G>A, p.Ser411= (NM_001256182.2, NM_001256183.2).
Identifiers: ClinVar variation 2143164 (VCV002143164.14), dbSNP rs768010691, ClinGen allele CA8242835.